The following is an entry in ClinVar:

ClinVar aggregate classification (germline): Likely benign. Review status: criteria provided, single submitter (1 of 4 stars). 3 submissions from 3 submitters: Likely benign (1). 2 of the submissions do not count toward it. Last evaluated 2025-12-02.

Conditions:
TTN-related disorder. Also called: TTN-related disorders; TTN-related condition; TTN-related disease.

Submissions (3):

PreventionGenetics, part of Exact Sciences
Classification: Likely benign for TTN-related condition. Last evaluated: 2025-12-02. Review status: criteria provided, single submitter. Criteria: ACMG Guidelines, 2015. Collection method: clinical testing. Allele origin: germline.
Comment: This variant is classified as likely benign based on ACMG/AMP sequence variant interpretation guidelines (Richards et al. 2015 PMID: 25741868, with internal and published modifications).

Genome Diagnostics Laboratory, University Medical Center Utrecht
Classification: Likely benign. Review status: no assertion criteria provided. Collection method: clinical testing. Allele origin: germline. Affected: yes. Study: VKGL Data-share Consensus. Not counted in ClinVar's aggregate classification.

Joint Genome Diagnostic Labs from Nijmegen and Maastricht, Radboudumc and MUMC+
Classification: Likely benign. Review status: no assertion criteria provided. Collection method: clinical testing. Allele origin: germline. Affected: yes. Study: VKGL Data-share Consensus. Not counted in ClinVar's aggregate classification.

NM_001267550.2(TTN):c.23939-7del

Gene: TTN (titin; minus strand). Cytogenetic location: 2q31.2.
Variant type: Deletion.
Coding change: c.23939-7del on transcript NM_001267550.2 (MANE Select); 7 bases into the intron before coding-DNA position 23939, one base deleted (C; older notation c.23939-7delC).
Molecular consequence: intron variant.
Genome position (GRCh38, 1-based): chr2:178,719,458, G deleted on the plus strand (C on the coding strand, the reverse complement: TTN is on the minus strand); the first of 4 consecutive G bases (chr2:178,719,458-178,719,461); deleting any one gives the same sequence. VCF-style (leftmost placement, unchanged base first): chr2-178719457-TG-T. GRCh37 (hg19) VCF-style: chr2-179584184-TG-T.
Other names: c.23939-7delC (NM_001267550.2); c.13282+18624del (NM_003319.4); c.13858+18624del (NM_133437.4); c.13657+18624del (NM_133432.3); c.20207-7del (NM_133378.4); c.22988-7del (NM_001256850.1).
Identifiers: ClinVar variation 1299826 (VCV001299826.3), dbSNP rs796323548, ClinGen allele CA60971727.